The following is an entry in ClinVar:

NM_000260.4(MYO7A):c.578C>T (p.Thr193Ile)

Gene: MYO7A (myosin VIIA; plus strand). Cytogenetic location: 11q13.5.
Variant type: single nucleotide variant.
Coding change: c.578C>T on transcript NM_000260.4 (MANE Select); coding-DNA position 578, C replaced by T.
Protein change: p.Thr193Ile; replaces threonine 193 with isoleucine.
Molecular consequence: missense variant.
Genome position (GRCh38, 1-based): chr11:77,156,767, C>T. VCF-style: chr11-77156767-C-T. GRCh37 (hg19) VCF-style: chr11-76867813-C-T.
Other names: c.578C>T, p.Thr193Ile (NM_001127180.2); c.545C>T, p.Thr182Ile (NM_001369365.1); short protein forms T193I, T182I.
Identifiers: ClinVar variation 500317 (VCV000500317.12), dbSNP rs1188616455, ClinGen allele CA381931971.

ClinVar aggregate classification (germline): Conflicting classifications of pathogenicity. Review status: criteria provided, conflicting classifications (1 of 4 stars). 6 submissions from 6 submitters: Likely pathogenic (1); Uncertain significance (3). 2 of the submissions do not count toward it. Last evaluated 2026-08-24.

Conditions:
Usher syndrome type 1 (USH1). Also called: RETINITIS PIGMENTOSA AND CONGENITAL DEAFNESS. Identifiers: Orphanet 231169, Orphanet 886, MedGen C1568247, MONDO:0010168, OMIM 276900.
Autosomal recessive nonsyndromic hearing loss 2. Also called: DEAFNESS, AUTOSOMAL RECESSIVE 2; NEUROSENSORY NONSYNDROMIC RECESSIVE DEAFNESS 2. Identifiers: Orphanet 90636, MedGen C1838701, MONDO:0010807, OMIM 600060.
Usher syndrome type 1B (USH1B). Also called: Usher syndrome type IB. Identifiers: MedGen C1848638, MONDO:0700087.

Allele frequency attached by ClinVar (database versions not stated): TOPMed 0.00001.
gnomAD v4.1: 4 of 1,613,884 alleles (0.00025%); highest among the groups gnomAD compares: Admixed American, 0.0017%; no homozygotes.

Submissions (6):

Myriad Genetics, Inc.
Classification: Uncertain significance for Usher syndrome type 1. Last evaluated: 2026-08-24. Review status: criteria provided, single submitter. Criteria: Myriad Autosomal Dominant, Autosomal Recessive and X-Linked Classification Criteria (2023). Collection method: clinical testing. Allele origin: unknown.
Comment: NM_000260.3(MYO7A):c.578C>T(T193I) is a missense variant classified as a variant of uncertain significance in the context of MYO7A-related disorders. T193I has been observed in a case with relevant disease (PMID: 21901789). Relevant functional assessments of this variant are not available in the literature. T193I has not been observed in referenced population frequency databases. In summary, there is insufficient evidence to classify NM_000260.3(MYO7A):c.578C>T(T193I) as pathogenic or benign. Please note: this variant was assessed in the context of healthy population screening.

Labcorp Genetics (formerly Invitae), Labcorp
Classification: Uncertain significance. Last evaluated: 2026-01-12. Review status: criteria provided, single submitter. Criteria: Invitae Variant Classification Sherloc (09022015). Collection method: clinical testing. Allele origin: germline.
Comment: This sequence change replaces threonine, which is neutral and polar, with isoleucine, which is neutral and non-polar, at codon 193 of the MYO7A protein (p.Thr193Ile). This variant is not present in population databases (gnomAD no frequency). This missense change has been observed in individual(s) with Leber congenital amaurosis (PMID: 21901789). ClinVar contains an entry for this variant (Variation ID: 500317). Invitae Evidence Modeling of protein sequence and biophysical properties (such as structural, functional, and spatial information, amino acid conservation, physicochemical variation, residue mobility, and thermodynamic stability) indicates that this missense variant is not expected to disrupt MYO7A protein function with a negative predictive value of 95%. In summary, the available evidence is currently insufficient to determine the role of this variant in disease. Therefore, it has been classified as a Variant of Uncertain Significance.

GeneDx
Classification: Likely pathogenic. Last evaluated: 2024-10-14. Review status: criteria provided, single submitter. Criteria: GeneDx Variant Classification Process June 2021. Collection method: clinical testing. Allele origin: germline. Affected: yes.
Comment: Not observed at significant frequency in large population cohorts (gnomAD); In silico analysis supports that this missense variant has a deleterious effect on protein structure/function; This variant is associated with the following publications: (PMID: 21901789)

Eurofins Ntd Llc (ga)
Classification: Uncertain significance. Last evaluated: 2017-02-02. Review status: criteria provided, single submitter. Criteria: EGL Classification Definitions 2015. Collection method: clinical testing. Allele origin: germline. Observed: 1 variant allele, 1 heterozygote.

Natera, Inc.
Classification: Uncertain significance for Usher syndrome type 1B. Last evaluated: 2020-03-30. Review status: no assertion criteria provided. Collection method: clinical testing. Allele origin: germline. Not counted in ClinVar's aggregate classification.

Counsyl
Classification: Uncertain significance for Usher syndrome type 1; Autosomal recessive nonsyndromic hearing loss 2. Last evaluated: 2017-09-05. Review status: no assertion criteria provided. Collection method: clinical testing. Allele origin: unknown. Not counted in ClinVar's aggregate classification.

Literature cited by the submitters: PubMed 21901789 (cited by 3 submitters).